The following is an entry in ClinVar:

ClinVar aggregate classification (germline): Uncertain significance (1 of 4 stars; one submission).

Conditions:
Encephalopathy, acute, infection-induced (herpes-specific), susceptibility to, 1. Also called: Herpes simplex encephalitis, susceptibility to, 1. Identifiers: Orphanet 1930, MedGen C2750180, MONDO:0024563, OMIM 610551.

Submission:

Labcorp Genetics (formerly Invitae), Labcorp
Classification: Uncertain significance for Encephalopathy, acute, infection-induced (herpes-specific), susceptibility to, 1. Last evaluated: 2026-01-08. Review status: criteria provided, single submitter. Criteria: Invitae Variant Classification Sherloc (09022015). Collection method: clinical testing. Allele origin: germline.
Comment: This sequence change replaces arginine, which is basic and polar, with serine, which is neutral and polar, at codon 64 of the TLR3 protein (p.Arg64Ser). This variant is not present in population databases (gnomAD no frequency). This variant has not been reported in the literature in individuals affected with TLR3-related conditions. An algorithm developed to predict the effect of missense changes on protein structure and function (PolyPhen-2) suggests that this variant is likely to be tolerated. Algorithms developed to predict the effect of sequence changes on RNA splicing suggest that this variant may create or strengthen a splice site. In summary, the available evidence is currently insufficient to determine the role of this variant in disease. Therefore, it has been classified as a Variant of Uncertain Significance.

NM_003265.3(TLR3):c.192A>T (p.Arg64Ser)

Gene: TLR3 (toll like receptor 3; plus strand). Cytogenetic location: 4q35.1.
Variant type: single nucleotide variant.
Coding change: c.192A>T on transcript NM_003265.3 (MANE Select); coding-DNA position 192, A replaced by T.
Protein change: p.Arg64Ser; replaces arginine 64 with serine.
Molecular consequence: missense variant.
Genome position (GRCh38, 1-based): chr4:186,076,811, A>T. VCF-style: chr4-186076811-A-T. GRCh37 (hg19) VCF-style: chr4-186997965-A-T.
Other names: short protein forms R64S.
Identifiers: ClinVar variation 4734921 (VCV004734921.1).
Genomic context (GRCh38, chr4:186,076,811, plus strand): 5'-GGTACCCGATGATCTACCCACAAACATAACAGTGTTGAACCTTACCCATAATCAACTCAG[A>T]AGATTACCAGCCGCCAACTTCACAAGGTATAGCCAGCTAACTAGCTTGGATGTAGGATTT-3'
Protein context (NP_003256.1, residues 54-74): TVLNLTHNQL[Arg64Ser]RLPAANFTRY